The following is an entry in ClinVar:

NM_000057.4(BLM):c.2663-5G>A

Gene: BLM (BLM RecQ like helicase; plus strand). Cytogenetic location: 15q26.1.
Variant type: single nucleotide variant.
Coding change: c.2663-5G>A on transcript NM_000057.4 (MANE Select); 5 bases into the intron before coding-DNA position 2663, G replaced by A.
Molecular consequence: intron variant.
Genome position (GRCh38, 1-based): chr15:90,784,916, G>A. VCF-style: chr15-90784916-G-A. GRCh37 (hg19) VCF-style: chr15-91328146-G-A.
Other names: c.2663-5G>A (NM_001287246.2, NM_001287247.2); c.1538-5G>A (NM_001287248.2).
Identifiers: ClinVar variation 524797 (VCV000524797.9), dbSNP rs1161787867, ClinGen allele CA658798427.

ClinVar aggregate classification (germline): Uncertain significance (1 of 4 stars; one submission).

Conditions:
Bloom syndrome (BLM). Also called: Bloom-Torre-Machacek syndrome. Identifiers: Orphanet 125, MedGen C0005859, MONDO:0008876, OMIM 210900.

Submission:

Labcorp Genetics (formerly Invitae), Labcorp
Classification: Uncertain significance for Bloom syndrome. Last evaluated: 2024-04-09. Review status: criteria provided, single submitter. Criteria: Invitae Variant Classification Sherloc (09022015). Collection method: clinical testing. Allele origin: germline.
Comment: This sequence change falls in intron 13 of the BLM gene. It does not directly change the encoded amino acid sequence of the BLM protein. This variant is not present in population databases (gnomAD no frequency). This variant has not been reported in the literature in individuals affected with BLM-related conditions. ClinVar contains an entry for this variant (Variation ID: 524797). Algorithms developed to predict the effect of sequence changes on RNA splicing suggest that this variant may disrupt the consensus splice site. In summary, the available evidence is currently insufficient to determine the role of this variant in disease. Therefore, it has been classified as a Variant of Uncertain Significance.